The following is an entry in ClinVar:

ClinVar aggregate classification (germline): Uncertain significance. Review status: criteria provided, multiple submitters, no conflicts (2 of 4 stars). 2 submissions from 2 submitters: Uncertain significance (2). Last evaluated 2022-07-13.

Conditions:
Hereditary cancer-predisposing syndrome. Also called: Neoplastic Syndromes, Hereditary; Hereditary Cancer Syndrome; Hereditary neoplastic syndrome; Tumor predisposition. Identifiers: Orphanet 140162, MedGen C0027672, MeSH D009386, MONDO:0015356.
Gorlin syndrome. Also called: Nevoid Basal Cell Carcinoma Syndrome; Basal cell nevus syndrome. Identifiers: Orphanet 377, MedGen C0004779, MONDO:0007187.

Allele frequency attached by ClinVar (database versions not stated): gnomAD exomes below 0.00001; gnomAD 0.00001.
gnomAD v4.1: 3 of 1,614,070 alleles (0.00019%); highest among the groups gnomAD compares: Non-Finnish European, 0.00017%; no homozygotes.

Submissions (2):

Labcorp Genetics (formerly Invitae), Labcorp
Classification: Uncertain significance for Gorlin syndrome. Last evaluated: 2022-07-13. Review status: criteria provided, single submitter. Criteria: Invitae Variant Classification Sherloc (09022015). Collection method: clinical testing. Allele origin: germline.
Comment: Advanced modeling of protein sequence and biophysical properties (such as structural, functional, and spatial information, amino acid conservation, physicochemical variation, residue mobility, and thermodynamic stability) performed at Invitae indicates that this missense variant is not expected to disrupt PTCH1 protein function. In summary, the available evidence is currently insufficient to determine the role of this variant in disease. Therefore, it has been classified as a Variant of Uncertain Significance. ClinVar contains an entry for this variant (Variation ID: 826366). This variant has not been reported in the literature in individuals affected with PTCH1-related conditions. This variant is not present in population databases (gnomAD no frequency). This sequence change replaces threonine, which is neutral and polar, with alanine, which is neutral and non-polar, at codon 213 of the PTCH1 protein (p.Thr213Ala).

Ambry Genetics
Classification: Uncertain significance for Hereditary cancer-predisposing syndrome. Last evaluated: 2019-12-05. Review status: criteria provided, single submitter. Criteria: Ambry Variant Classification Scheme 2023. Collection method: clinical testing. Allele origin: germline.
Comment: The p.T213A variant (also known as c.637A>G), located in coding exon 4 of the PTCH1 gene, results from an A to G substitution at nucleotide position 637. The threonine at codon 213 is replaced by alanine, an amino acid with similar properties. This amino acid position is well conserved in available vertebrate species. In addition, this alteration is predicted to be tolerated by in silico analysis. Since supporting evidence is limited at this time, the clinical significance of this alteration remains unclear.

NM_000264.5(PTCH1):c.637A>G (p.Thr213Ala)

Gene: PTCH1 (patched 1; minus strand). Cytogenetic location: 9q22.32.
Variant type: single nucleotide variant.
Coding change: c.637A>G on transcript NM_000264.5 (MANE Select); coding-DNA position 637, A replaced by G.
Protein change: p.Thr213Ala; replaces threonine 213 with alanine.
Molecular consequence: missense variant. On other transcripts: non-coding transcript variant (1).
Genome position (GRCh38, 1-based): chr9:95,482,151, T>C on the plus strand (A>G on the coding strand, the complement: PTCH1 is on the minus strand). VCF-style: chr9-95482151-T-C. GRCh37 (hg19) VCF-style: chr9-98244433-T-C.
Other names: c.184A>G, p.Thr62Ala (NM_001083605.3, NM_001083606.3, NM_001083607.3 and 1 more transcripts); c.637A>G, p.Thr213Ala (NM_001354918.2); c.439A>G, p.Thr147Ala (NM_001354919.2, NM_001083602.3); c.634A>G, p.Thr212Ala (NM_001083603.3); short protein forms T212A, T213A, T62A, T147A.
Identifiers: ClinVar variation 826366 (VCV000826366.9), dbSNP rs1588614533, ClinGen allele CA374115047.